The following is an entry in ClinVar:

NM_000075.4(CDK4):c.571T>C (p.Tyr191His)

Gene: CDK4 (cyclin dependent kinase 4; minus strand). Cytogenetic location: 12q14.1.
Variant type: single nucleotide variant.
Coding change: c.571T>C on transcript NM_000075.4 (MANE Select); coding-DNA position 571, T replaced by C.
Protein change: p.Tyr191His; replaces tyrosine 191 with histidine.
Molecular consequence: missense variant.
Genome position (GRCh38, 1-based): chr12:57,750,717, A>G on the plus strand (T>C on the coding strand, the complement: CDK4 is on the minus strand). VCF-style: chr12-57750717-A-G. GRCh37 (hg19) VCF-style: chr12-58144500-A-G.
Other names: short protein forms Y191H.
Identifiers: ClinVar variation 938850 (VCV000938850.9), dbSNP rs1955226614, ClinGen allele CA385545838.

ClinVar aggregate classification (germline): Uncertain significance (1 of 4 stars; one submission).

Conditions:
Familial melanoma. Also called: Hereditary melanoma; Hereditary cutaneous melanoma. Identifiers: Orphanet 618, MedGen C1512419, MONDO:0018961.

Submission:

Labcorp Genetics (formerly Invitae), Labcorp
Classification: Uncertain significance for Familial melanoma. Last evaluated: 2025-09-01. Review status: criteria provided, single submitter. Criteria: Invitae Variant Classification Sherloc (09022015). Collection method: clinical testing. Allele origin: germline.
Comment: This sequence change replaces tyrosine, which is neutral and polar, with histidine, which is basic and polar, at codon 191 of the CDK4 protein (p.Tyr191His). This variant is not present in population databases (gnomAD no frequency). This variant has not been reported in the literature in individuals affected with CDK4-related conditions. ClinVar contains an entry for this variant (Variation ID: 938850). Invitae Evidence Modeling of protein sequence and biophysical properties (such as structural, functional, and spatial information, amino acid conservation, physicochemical variation, residue mobility, and thermodynamic stability) indicates that this missense variant is expected to disrupt CDK4 protein function with a positive predictive value of 95%. In summary, the available evidence is currently insufficient to determine the role of this variant in disease. Therefore, it has been classified as a Variant of Uncertain Significance.